The following is an entry in ClinVar:

NM_005592.4(MUSK):c.1466C>G (p.Ser489Ter)

Gene: MUSK (muscle associated receptor tyrosine kinase; plus strand). Cytogenetic location: 9q31.3.
Variant type: single nucleotide variant.
Coding change: c.1466C>G on transcript NM_005592.4 (MANE Select); coding-DNA position 1466, C replaced by G.
Protein change: p.Ser489Ter; replaces serine 489 with a stop codon.
Molecular consequence: nonsense.
Genome position (GRCh38, 1-based): chr9:110,784,896, C>G. VCF-style: chr9-110784896-C-G. GRCh37 (hg19) VCF-style: chr9-113547176-C-G.
Other names: c.1208C>G, p.Ser403Ter (NM_001166280.2); c.1178C>G, p.Ser393Ter (NM_001166281.2); c.206C>G, p.Ser69Ter (NM_001369398.1); short protein forms S69*, S489*, S393*, S403*.
Identifiers: ClinVar variation 2025875 (VCV002025875.4), dbSNP rs2491146787, ClinGen allele CA374474971.

ClinVar aggregate classification (germline): Pathogenic (1 of 4 stars; one submission).

Conditions:
Congenital myasthenic syndrome 9. Also called: Myasthenic syndrome, congenital, 9, associated with acetylcholine receptor deficiency. Identifiers: Orphanet 590, MedGen C4225368, MONDO:0014587, OMIM 616325.
Fetal akinesia deformation sequence 1 (FADS1). Also called: Fetal akinesia sequence; Pena-Shokeir syndrome type I. Identifiers: Orphanet 994, MedGen C1276035, MONDO:0100101, OMIM 208150, HP:0001989.

Submission:

Labcorp Genetics (formerly Invitae), Labcorp
Classification: Pathogenic for Congenital myasthenic syndrome 9; Fetal akinesia deformation sequence 1. Last evaluated: 2024-12-02. Review status: criteria provided, single submitter. Criteria: Invitae Variant Classification Sherloc (09022015). Collection method: clinical testing. Allele origin: germline.
Comment: This sequence change creates a premature translational stop signal (p.Ser489*) in the MUSK gene. It is expected to result in an absent or disrupted protein product. Loss-of-function variants in MUSK are known to be pathogenic (PMID: 8653786, 25612909, 25695962, 25900532). This variant is not present in population databases (gnomAD no frequency). This variant has not been reported in the literature in individuals affected with MUSK-related conditions. ClinVar contains an entry for this variant (Variation ID: 2025875). For these reasons, this variant has been classified as Pathogenic.

Literature cited by the submitters: PubMed 8653786; PubMed 25612909; PubMed 25695962; PubMed 25900532.